The following is an entry in ClinVar:

NM_004304.5(ALK):c.22T>C (p.Trp8Arg)

Gene: ALK (ALK receptor tyrosine kinase; minus strand). Cytogenetic location: 2p23.1.
Variant type: single nucleotide variant.
Coding change: c.22T>C on transcript NM_004304.5 (MANE Select); coding-DNA position 22, T replaced by C.
Protein change: p.Trp8Arg; replaces tryptophan 8 with arginine.
Molecular consequence: missense variant.
Genome position (GRCh38, 1-based): chr2:29,920,638, A>G on the plus strand (T>C on the coding strand, the complement: ALK is on the minus strand). VCF-style: chr2-29920638-A-G. GRCh37 (hg19) VCF-style: chr2-30143504-A-G.
Other names: short protein forms W8R.
Identifiers: ClinVar variation 576674 (VCV000576674.12), dbSNP rs1222954765, ClinGen allele CA346590832.
Genomic context (GRCh38, chr2:29,920,638, plus strand): 5'-GCTGGCCGGTCCCCATCCCGGAGCCCACAGCTGCCGTGGAAAGCAGCAGCGGCAGGAGCC[A>G]CAGGAGCCCGATGGCTCCCATCCCGCCGGAGGAGGCCGTTTACACTGCTCTCCGGGCCCA-3'
Protein context (NP_004295.2, residues 1-18): MGAIGLL[Trp8Arg]LLPLLLSTAA

ClinVar aggregate classification (germline): Uncertain significance. Review status: criteria provided, multiple submitters, no conflicts (2 of 4 stars). 3 submissions from 3 submitters: Uncertain significance (3). Last evaluated 2025-10-13.

Conditions:
Neuroblastoma, susceptibility to, 3. Also called: ALK-Related Neuroblastic Tumor Susceptibility. Identifiers: Orphanet 635, MedGen C2751681, MONDO:0013083, OMIM 613014.
Hereditary cancer-predisposing syndrome. Also called: Hereditary neoplastic syndrome; Tumor predisposition; Hereditary Cancer Syndrome; Neoplastic Syndromes, Hereditary. Identifiers: Orphanet 140162, MedGen C0027672, MeSH D009386, MONDO:0015356.

Allele frequency attached by ClinVar (database versions not stated): gnomAD 0.00001.

Submissions (3):

Labcorp Genetics (formerly Invitae), Labcorp
Classification: Uncertain significance for Neuroblastoma, susceptibility to, 3. Last evaluated: 2025-10-13. Review status: criteria provided, single submitter. Criteria: Invitae Variant Classification Sherloc (09022015). Collection method: clinical testing. Allele origin: germline.
Comment: This sequence change replaces tryptophan, which is neutral and slightly polar, with arginine, which is basic and polar, at codon 8 of the ALK protein (p.Trp8Arg). The frequency data for this variant in the population databases is considered unreliable, as metrics indicate poor data quality at this position in the gnomAD database. This variant has not been reported in the literature in individuals affected with ALK-related conditions. ClinVar contains an entry for this variant (Variation ID: 576674). An algorithm developed to predict the effect of missense changes on protein structure and function outputs the following: PolyPhen-2: "Benign". The arginine amino acid residue is found in multiple mammalian species, which suggests that this missense change does not adversely affect protein function. In summary, the available evidence is currently insufficient to determine the role of this variant in disease. Therefore, it has been classified as a Variant of Uncertain Significance.

Ambry Genetics
Classification: Uncertain significance for Hereditary cancer-predisposing syndrome. Last evaluated: 2025-01-06. Review status: criteria provided, single submitter. Criteria: Ambry Variant Classification Scheme 2023. Collection method: clinical testing. Allele origin: germline.
Comment: The p.W8R variant (also known as c.22T>C), located in coding exon 1 of the ALK gene, results from a T to C substitution at nucleotide position 22. The tryptophan at codon 8 is replaced by arginine, an amino acid with dissimilar properties. This amino acid position is well conserved in available vertebrate species. In addition, the in silico prediction for this alteration is inconclusive. Based on the available evidence, the clinical significance of this variant remains unclear.

Baylor Genetics
Classification: Uncertain significance for Neuroblastoma, susceptibility to, 3. Last evaluated: 2023-06-16. Review status: criteria provided, single submitter. Criteria: ACMG Guidelines, 2015. Collection method: clinical testing. Allele origin: unknown.